The following is an entry in ClinVar:

ClinVar aggregate classification (germline): Uncertain significance (1 of 4 stars; one submission).

Conditions:
Mitochondrial hypertrophic cardiomyopathy with lactic acidosis due to MTO1 deficiency. Also called: Combined oxidative phosphorylation deficiency 10; CARDIOMYOPATHY, INFANTILE HYPERTROPHIC MITOCHONDRIAL, AND LACTIC ACIDOSIS. Identifiers: Orphanet 314637, MedGen C4749921, MONDO:0013865, OMIM 614702.

Allele frequency attached by ClinVar (database versions not stated): gnomAD exomes 0.00001.

Submission:

Labcorp Genetics (formerly Invitae), Labcorp
Classification: Uncertain significance for Mitochondrial hypertrophic cardiomyopathy with lactic acidosis due to MTO1 deficiency. Last evaluated: 2022-06-26. Review status: criteria provided, single submitter. Criteria: Invitae Variant Classification Sherloc (09022015). Collection method: clinical testing. Allele origin: germline.
Comment: In summary, the available evidence is currently insufficient to determine the role of this variant in disease. Therefore, it has been classified as a Variant of Uncertain Significance. Algorithms developed to predict the effect of missense changes on protein structure and function are either unavailable or do not agree on the potential impact of this missense change (SIFT: "Deleterious"; PolyPhen-2: "Possibly Damaging"; Align-GVGD: "Class C0"). This variant has not been reported in the literature in individuals affected with MTO1-related conditions. This variant is not present in population databases (gnomAD no frequency). This sequence change replaces serine, which is neutral and polar, with proline, which is neutral and non-polar, at codon 218 of the MTO1 protein (p.Ser218Pro).

NM_012123.4(MTO1):c.652T>C (p.Ser218Pro)

Gene: MTO1 (mitochondrial tRNA translation optimization 1; plus strand). Cytogenetic location: 6q13.
Variant type: single nucleotide variant.
Coding change: c.652T>C on transcript NM_012123.4 (MANE Select); coding-DNA position 652, T replaced by C.
Protein change: p.Ser218Pro; replaces serine 218 with proline.
Molecular consequence: missense variant.
Genome position (GRCh38, 1-based): chr6:73,473,481, T>C. VCF-style: chr6-73473481-T-C. GRCh37 (hg19) VCF-style: chr6-74183204-T-C.
Other names: c.652T>C, p.Ser218Pro (NM_001123226.2, NM_133645.3); short protein forms S218P.
Identifiers: ClinVar variation 2100777 (VCV002100777.4), dbSNP rs2533261099, ClinGen allele CA364713638.